The following is an entry in ClinVar:

NM_001350978.3(SPATA31C2):c.3312CAG[1] (p.Ser1105del)

Gene: SPATA31C2 (SPATA31 subfamily C member 2; minus strand). Cytogenetic location: 9q22.1.
Variant type: Microsatellite.
Coding change: c.3312CAG[1] on transcript NM_001350978.3 (MANE Select); one copy of the 3-base unit CAG starting at c.3312; the reference has two copies in a row; one copy, 3 bases deleted.
Protein change: p.Ser1105del; deletes serine 1105.
Molecular consequence: inframe deletion.
Genome position (GRCh38, 1-based): chr9:88,129,720-88,129,722, CTG deleted on the plus strand (CAG on the coding strand, the reverse complement: SPATA31C2 is on the minus strand); deleting any 3 consecutive bases within chr9:88,129,720-88,129,725 gives the same sequence; the position shown is the placement nearest the transcript's 3' end. VCF-style (leftmost placement, unchanged base first): chr9-88129719-TCTG-T. GRCh37 (hg19) VCF-style: chr9-90744634-TCTG-T.
Other names: c.3312CAG[1], p.Ser1105del (NM_001166137.1); short protein forms S1105del.
Identifiers: ClinVar variation 3898068 (VCV003898068.7).

ClinVar aggregate classification (germline): Likely benign (1 of 4 stars; one submission).

Submission:

CeGaT Center for Human Genetics Tuebingen
Classification: Likely benign. Last evaluated: 2025-04-01. Review status: criteria provided, single submitter. Criteria: CeGaT Center For Human Genetics Tuebingen Variant Classification Criteria Version 2. Collection method: clinical testing. Allele origin: germline. Affected: yes. Observed: 1 variant allele.
Comment: SPATA31C2: PM4:Supporting, BS2